The following is an entry in ClinVar:

NM_006659.4(TUBGCP2):c.2685C>T (p.Pro895=)

Gene: TUBGCP2 (tubulin gamma complex component 2; minus strand). Cytogenetic location: 10q26.3.
Variant type: single nucleotide variant.
Coding change: c.2685C>T on transcript NM_006659.4 (MANE Select); coding-DNA position 2685, C replaced by T.
Protein change: p.Pro895=; no amino-acid change (proline 895 retained).
Molecular consequence: synonymous variant. On other transcripts: non-coding transcript variant (1).
Genome position (GRCh38, 1-based): chr10:133,279,790, G>A on the plus strand (C>T on the coding strand, the complement: TUBGCP2 is on the minus strand). VCF-style: chr10-133279790-G-A. GRCh37 (hg19) VCF-style: chr10-135093294-G-A.
Other names: c.2769C>T, p.Pro923= (NM_001256617.2); c.2295C>T, p.Pro765= (NM_001256618.2).
Identifiers: ClinVar variation 3042972 (VCV003042972.2), dbSNP rs182252179, ClinGen allele CA5763370.

ClinVar aggregate classification (germline): Likely benign (0 of 4 stars; one submission).

Conditions:
TUBGCP2-related disorder. Also called: TUBGCP2-related condition.

Allele frequency attached by ClinVar (database versions not stated): gnomAD exomes 0.00001; TOPMed 0.00002; gnomAD 0.00003; ExAC 0.00015; 1000 Genomes Project 0.00040; 1000 Genomes Project 30x 0.00047.
gnomAD v4.1: 25 of 1,565,930 alleles (0.0016%); highest among the groups gnomAD compares: East Asian, 0.038%; no homozygotes.

Submission:

PreventionGenetics, part of Exact Sciences
Classification: Likely benign for TUBGCP2-related condition. Last evaluated: 2023-02-04. Review status: no assertion criteria provided. Collection method: clinical testing. Allele origin: germline.
Comment: This variant is classified as likely benign based on ACMG/AMP sequence variant interpretation guidelines (Richards et al. 2015 PMID: 25741868, with internal and published modifications).